The following is an entry in ClinVar:

NM_004247.4(EFTUD2):c.2562-1G>T

Gene: EFTUD2 (elongation factor Tu GTP binding domain containing 2; minus strand). Cytogenetic location: 17q21.31.
Variant type: single nucleotide variant.
Coding change: c.2562-1G>T on transcript NM_004247.4 (MANE Select); the canonical splice acceptor site of the intron before coding-DNA position 2562, G replaced by T.
Molecular consequence: splice acceptor variant.
Genome position (GRCh38, 1-based): chr17:44,852,563, C>A on the plus strand (G>T on the coding strand, the complement: EFTUD2 is on the minus strand). VCF-style: chr17-44852563-C-A. GRCh37 (hg19) VCF-style: chr17-42929931-C-A.
Other names: c.2457-1G>T (NM_001142605.2); c.2532-1G>T (NM_001258354.2); c.2562-1G>T (NM_001258353.2).
Identifiers: ClinVar variation 4994578 (VCV004994578.1).

ClinVar aggregate classification (germline): Likely pathogenic (1 of 4 stars; one submission).

Conditions:
EFTUD2-related disorder. Also called: EFTUD2-related condition.

Submission:

PreventionGenetics, part of Exact Sciences
Classification: Likely pathogenic for EFTUD2-related condition. Last evaluated: 2026-01-26. Review status: criteria provided, single submitter. Criteria: ACMG Guidelines, 2015. Collection method: clinical testing. Allele origin: germline.
Comment: The EFTUD2 c.2562-1G>T variant is predicted to disrupt the AG splice acceptor site and interfere with normal splicing. To our knowledge, this variant has not been reported in the literature; however, another nucleotide change at this position, c.2562-1G>C, has been reported in an individual with mandibulofacial dysostosis with microcephaly and shown to cause abnormal splicing (Voigt et al. 2013. PubMed ID: 238799899). This variant is not reported in a large population database (gnomAD), indicating this variant is rare. Variants that disrupt the consensus splice acceptor site in EFTUD2 are expected to be pathogenic. This variant is interpreted as likely pathogenic.